The following is an entry in ClinVar:

NM_014491.4(FOXP2):c.*3563C>T

Gene: FOXP2 (forkhead box P2; plus strand). Cytogenetic location: 7q31.1.
Variant type: single nucleotide variant.
Coding change: c.*3563C>T on transcript NM_014491.4 (MANE Select); 3563 bases downstream of the stop codon, C replaced by T.
Molecular consequence: 3 prime UTR variant. On other transcripts: non-coding transcript variant (2).
Genome position (GRCh38, 1-based): chr7:114,693,489, C>T. VCF-style: chr7-114693489-C-T. GRCh37 (hg19) VCF-style: chr7-114333544-C-T.
Other names: c.*3563C>T (NM_001172766.3, NM_148898.4, NM_148900.4).
Identifiers: ClinVar variation 358669 (VCV000358669.5), dbSNP rs148596176, ClinGen allele CA4446515.

ClinVar aggregate classification (germline): Benign (1 of 4 stars; one submission).

Conditions:
Childhood apraxia of speech (SPCH1). Also called: DEVELOPMENTAL VERBAL DYSPRAXIA; Speech language disorder; FOXP2-Related Speech and Language Disorder; SPEECH AND LANGUAGE DISORDER WITH OROFACIAL DYSPRAXIA. Identifiers: Orphanet 209908, MedGen C0750927, MONDO:0011184, OMIM 602081.

Allele frequency attached by ClinVar (database versions not stated): 1000 Genomes Project 30x 0.00187; ExAC 0.00194; 1000 Genomes Project 0.00200; TOPMed 0.00205; gnomAD exomes 0.00262 and 0.00357; gnomAD 0.00331 and 0.00342.
gnomAD v4.1: 1,562 of 452,452 alleles (0.35%); highest among the groups gnomAD compares: Non-Finnish European, 0.46%; 5 homozygotes.

Submission:

Illumina Laboratory Services, Illumina
Classification: Benign for Childhood apraxia of speech. Last evaluated: 2018-01-12. Review status: criteria provided, single submitter. Criteria: ICSL Variant Classification Criteria 13 December 2019. Collection method: clinical testing. Allele origin: germline.
Comment: This variant was observed in the ICSL laboratory as part of a predisposition screen in an ostensibly healthy population. It had not been previously curated by ICSL or reported in the Human Gene Mutation Database (HGMD: prior to June 1st, 2018), and was therefore a candidate for classification through an automated scoring system. Utilizing variant allele frequency, disease prevalence and penetrance estimates, and inheritance mode, an automated score was calculated to assess if this variant is too frequent to cause the disease. Based on the score and internal cut-off values, a variant classified as benign is not then subjected to further curation. The score for this variant resulted in a classification of benign for this disease.